The following is an entry in ClinVar:

ClinVar aggregate classification (germline): Uncertain significance (1 of 4 stars; one submission).

Conditions:
Breast-ovarian cancer, familial, susceptibility to, 5 (BROVCA5). Identifiers: MedGen C5830615, MONDO:0957530, OMIM 620442.

Submission:

Dasa
Classification: Uncertain significance for Breast-ovarian cancer, familial, susceptibility to, 5. Last evaluated: 2024-12-08. Review status: criteria provided, single submitter. Criteria: DASA Assertion Criteria. Collection method: clinical testing. Allele origin: germline.
Comment: NM_024675.4(PALB2):c.1876A>G (p.Lys626Glu) is a missense variant that results in the substitution of lysine with glutamic acid. This variant is absent from population databases. The currently available literature and clinical evidence are not sufficient to establish a definitive association between this variant and the reported condition. Therefore, this variant is classified as a variant of uncertain significance.

NM_024675.4(PALB2):c.1876A>G (p.Lys626Glu)

Gene: PALB2 (partner and localizer of BRCA2; minus strand). Cytogenetic location: 16p12.2.
Variant type: single nucleotide variant.
Coding change: c.1876A>G on transcript NM_024675.4 (MANE Select); coding-DNA position 1876, A replaced by G.
Protein change: p.Lys626Glu; replaces lysine 626 with glutamic acid.
Molecular consequence: missense variant. On other transcripts: intron variant (1).
Genome position (GRCh38, 1-based): chr16:23,630,278, T>C on the plus strand (A>G on the coding strand, the complement: PALB2 is on the minus strand). VCF-style: chr16-23630278-T-C. GRCh37 (hg19) VCF-style: chr16-23641599-T-C.
Other names: c.1816A>G, p.Lys606Glu (NM_001407296.1); c.1876A>G, p.Lys626Glu (NM_001407297.1, NM_001407298.1, NM_001407299.1 and 3 more transcripts); c.991A>G, p.Lys331Glu (NM_001407304.1, NM_001407305.1, NM_001407306.1 and 5 more transcripts); c.88A>G, p.Lys30Glu (NM_001407312.1, NM_001407313.1); c.49-1003A>G (NM_001407314.1); short protein forms K30E, K331E, K606E, K626E.
Identifiers: ClinVar variation 5042665 (VCV005042665.1).